The following is an entry in ClinVar:

NM_005751.5(AKAP9):c.3793G>A (p.Glu1265Lys)

Gene: AKAP9 (A-kinase anchoring protein 9; plus strand). Cytogenetic location: 7q21.2.
Variant type: single nucleotide variant.
Coding change: c.3793G>A on transcript NM_005751.5 (MANE Select); coding-DNA position 3793, G replaced by A.
Protein change: p.Glu1265Lys; replaces glutamic acid 1265 with lysine.
Molecular consequence: missense variant.
Genome position (GRCh38, 1-based): chr7:92,017,058, G>A. VCF-style: chr7-92017058-G-A. GRCh37 (hg19) VCF-style: chr7-91646372-G-A.
Other names: c.3793G>A, p.Glu1265Lys (NM_147185.3); short protein forms E1265K.
Identifiers: ClinVar variation 1035224 (VCV001035224.15), dbSNP rs1424485718, ClinGen allele CA368127254.
Genomic context (GRCh38, chr7:92,017,058, plus strand): 5'-TTGTTTGTTTACCATCCAGACTTTCAAGAAAATATGCACACTCTTCTCAACAAAGTAACA[G>A]AAGAATACAACAAACTCTTGGTACTTCAAACACGACTAAGCAAGGTCTGTGAGATGGAAA-3'
Protein context (NP_005742.4, residues 1255-1275): NMHTLLNKVT[Glu1265Lys]EYNKLLVLQT

ClinVar aggregate classification (germline): Conflicting classifications of pathogenicity. Review status: criteria provided, conflicting classifications (1 of 4 stars). 6 submissions from 6 submitters: Uncertain significance (2); Benign (1); Likely benign (1). 2 of the submissions do not count toward it. Last evaluated 2025-07-08.

Conditions:
Long QT syndrome (LQTS). Identifiers: MedGen C0023976, MeSH D008133, MONDO:0002442. Disease mechanism: loss of function. Inheritance: Various modes of inheritance.
Cardiovascular phenotype. Identifiers: MedGen CN230736.
Long QT syndrome 11 (LQT11). Identifiers: Orphanet 101016, Orphanet 768, MedGen C2678483, MONDO:0012738, OMIM 611820.

Allele frequency attached by ClinVar (database versions not stated): gnomAD exomes 0.00005 and 0.00008; gnomAD 0.00006; TOPMed 0.00007.
gnomAD v4.1: 134 of 1,591,988 alleles (0.0084%); highest among the groups gnomAD compares: Non-Finnish European, 0.011%; no homozygotes.

Submissions (6):

Labcorp Genetics (formerly Invitae), Labcorp
Classification: Uncertain significance for Long QT syndrome. Last evaluated: 2025-07-08. Review status: criteria provided, single submitter. Criteria: Invitae Variant Classification Sherloc (09022015). Collection method: clinical testing. Allele origin: germline.
Comment: This sequence change replaces glutamic acid, which is acidic and polar, with lysine, which is basic and polar, at codon 1265 of the AKAP9 protein (p.Glu1265Lys). This variant is present in population databases (no rsID available, gnomAD 0.009%). This variant has not been reported in the literature in individuals affected with AKAP9-related conditions. ClinVar contains an entry for this variant (Variation ID: 1035224). An algorithm developed to predict the effect of missense changes on protein structure and function (PolyPhen-2) suggests that this variant is likely to be tolerated. In summary, the available evidence is currently insufficient to determine the role of this variant in disease. Therefore, it has been classified as a Variant of Uncertain Significance.

Ambry Genetics
Classification: Benign for Cardiovascular phenotype. Last evaluated: 2025-03-26. Review status: criteria provided, single submitter. Criteria: Ambry Variant Classification Scheme 2023. Collection method: clinical testing. Allele origin: germline.

Blueprint Genetics
Classification: Likely benign. Last evaluated: 2024-03-25. Review status: criteria provided, single submitter. Criteria: ACMG Guidelines, 2015. Collection method: clinical testing. Allele origin: germline.

Fulgent Genetics
Classification: Uncertain significance for Long QT syndrome 11. Last evaluated: 2021-11-16. Review status: criteria provided, single submitter. Criteria: ACMG Guidelines, 2015. Collection method: clinical testing. Allele origin: unknown.

Clinical Genetics, Academic Medical Center
Classification: Uncertain significance. Review status: no assertion criteria provided. Collection method: clinical testing. Allele origin: germline. Affected: yes. Study: VKGL Data-share Consensus. Not counted in ClinVar's aggregate classification.

Genome Diagnostics Laboratory, University Medical Center Utrecht
Classification: Uncertain significance. Review status: no assertion criteria provided. Collection method: clinical testing. Allele origin: germline. Affected: yes. Study: VKGL Data-share Consensus. Not counted in ClinVar's aggregate classification.

Literature cited by the submitters: PubMed 30847666 (cited by Ambry Genetics).